The following is an entry in ClinVar:

NM_022455.5(NSD1):c.6889A>G (p.Arg2297Gly)

Gene: NSD1 (nuclear receptor binding SET domain protein 1; plus strand). Cytogenetic location: 5q35.3.
Variant type: single nucleotide variant.
Coding change: c.6889A>G on transcript NM_022455.5 (MANE Select); coding-DNA position 6889, A replaced by G.
Protein change: p.Arg2297Gly; replaces arginine 2297 with glycine.
Molecular consequence: missense variant.
Genome position (GRCh38, 1-based): chr5:177,294,257, A>G. VCF-style: chr5-177294257-A-G. GRCh37 (hg19) VCF-style: chr5-176721258-A-G.
Other names: c.6016A>G, p.Arg2006Gly (NM_001365684.2, NM_001409308.1, NM_172349.5); c.6889A>G, p.Arg2297Gly (NM_001409301.1, NM_001409302.1, NM_001409303.1); c.6469A>G, p.Arg2157Gly (NM_001409304.1); c.6136A>G, p.Arg2046Gly (NM_001409305.1); c.6127A>G, p.Arg2043Gly (NM_001409306.1, NM_001409307.1); c.5767A>G, p.Arg1923Gly (NM_001409309.1); short protein forms R2157G, R2006G, R2297G, R1923G, R2028G, R2043G, R2046G.
Identifiers: ClinVar variation 2168354 (VCV002168354.4), dbSNP rs757698935, ClinGen allele CA3578060.
Genomic context (GRCh38, chr5:177,294,257, plus strand): 5'-TTGCTACCTGAAAGACCTCTTGAGAGAACTGACTCCAGGCCCCAGCCTTTAGATAAGGTC[A>G]GAGACCTCGCTGGGTCAGGGACCAAATCCCAATCCTTGGTTTCCAGCCAGAGGCCACTGG-3'
Protein context (NP_071900.2, residues 2287-2307): DSRPQPLDKV[Arg2297Gly]DLAGSGTKSQ

ClinVar aggregate classification (germline): Uncertain significance (1 of 4 stars; one submission).

Allele frequency attached by ClinVar (database versions not stated): gnomAD exomes below 0.00001; ExAC 0.00002.
gnomAD v4.1: 4 of 1,613,576 alleles (0.00025%); highest among the groups gnomAD compares: South Asian, 0.0011%; no homozygotes.

Submission:

Labcorp Genetics (formerly Invitae), Labcorp
Classification: Uncertain significance. Last evaluated: 2022-01-18. Review status: criteria provided, single submitter. Criteria: Invitae Variant Classification Sherloc (09022015). Collection method: clinical testing. Allele origin: germline.
Comment: In summary, the available evidence is currently insufficient to determine the role of this variant in disease. Therefore, it has been classified as a Variant of Uncertain Significance. Advanced modeling of protein sequence and biophysical properties (such as structural, functional, and spatial information, amino acid conservation, physicochemical variation, residue mobility, and thermodynamic stability) performed at Invitae indicates that this missense variant is not expected to disrupt NSD1 protein function. This variant has not been reported in the literature in individuals affected with NSD1-related conditions. This variant is present in population databases (rs757698935, gnomAD 0.003%). This sequence change replaces arginine, which is basic and polar, with glycine, which is neutral and non-polar, at codon 2297 of the NSD1 protein (p.Arg2297Gly).